The following is an entry in ClinVar:

ClinVar aggregate classification (germline): Uncertain significance. Review status: criteria provided, multiple submitters, no conflicts (2 of 4 stars). 2 submissions from 2 submitters: Uncertain significance (2). Last evaluated 2025-08-18.

Conditions:
Hereditary cancer-predisposing syndrome. Also called: Tumor predisposition; Neoplastic Syndromes, Hereditary; Hereditary Cancer Syndrome; Hereditary neoplastic syndrome. Identifiers: Orphanet 140162, MedGen C0027672, MeSH D009386, MONDO:0015356.
EGFR-related lung cancer (EGFR). Identifiers: MedGen CN130014.

gnomAD v4.1: 5 of 1,614,124 alleles (0.00031%); highest among the groups gnomAD compares: South Asian, 0.0011%; no homozygotes.

Submissions (2):

Ambry Genetics
Classification: Uncertain significance for Hereditary cancer-predisposing syndrome. Last evaluated: 2025-08-18. Review status: criteria provided, single submitter. Criteria: Ambry Variant Classification Scheme 2023. Collection method: clinical testing. Allele origin: germline.
Comment: The p.P281R variant (also known as c.842C>G), located in coding exon 7 of the EGFR gene, results from a C to G substitution at nucleotide position 842. The proline at codon 281 is replaced by arginine, an amino acid with dissimilar properties. This amino acid position is well conserved in available vertebrate species. In addition, the in silico prediction for this alteration is inconclusive. Based on the available evidence, the clinical significance of this variant remains unclear.

Labcorp Genetics (formerly Invitae), Labcorp
Classification: Uncertain significance for EGFR-related lung cancer. Last evaluated: 2024-05-31. Review status: criteria provided, single submitter. Criteria: Invitae Variant Classification Sherloc (09022015). Collection method: clinical testing. Allele origin: germline.
Comment: This sequence change replaces proline, which is neutral and non-polar, with arginine, which is basic and polar, at codon 281 of the EGFR protein (p.Pro281Arg). This variant is present in population databases (no rsID available, gnomAD 0.0009%). This variant has not been reported in the literature in individuals affected with EGFR-related conditions. Advanced modeling of protein sequence and biophysical properties (such as structural, functional, and spatial information, amino acid conservation, physicochemical variation, residue mobility, and thermodynamic stability) performed at Invitae indicates that this missense variant is not expected to disrupt EGFR protein function with a negative predictive value of 80%. In summary, the available evidence is currently insufficient to determine the role of this variant in disease. Therefore, it has been classified as a Variant of Uncertain Significance.

NM_005228.5(EGFR):c.842C>G (p.Pro281Arg)

Gene: EGFR (epidermal growth factor receptor; plus strand). Cytogenetic location: 7p11.2.
Variant type: single nucleotide variant.
Coding change: c.842C>G on transcript NM_005228.5 (MANE Select); coding-DNA position 842, C replaced by G.
Protein change: p.Pro281Arg; replaces proline 281 with arginine.
Molecular consequence: missense variant. On other transcripts: intron variant (1).
Genome position (GRCh38, 1-based): chr7:55,154,105, C>G. VCF-style: chr7-55154105-C-G. GRCh37 (hg19) VCF-style: chr7-55221798-C-G.
Other names: c.707C>G, p.Pro236Arg (NM_001346897.2, NM_001346899.2); c.842C>G, p.Pro281Arg (NM_001346898.2, NM_201282.2, NM_201283.2 and 1 more transcripts); c.683C>G, p.Pro228Arg (NM_001346900.2); c.89-1725C>G (NM_001346941.2); short protein forms P236R, P228R, P281R.
Identifiers: ClinVar variation 3685727 (VCV003685727.3).